The following is an entry in ClinVar:

ClinVar aggregate classification (germline): Uncertain significance (1 of 4 stars; one submission).

Conditions:
Inborn genetic diseases. Identifiers: MedGen C0950123, MeSH D030342.

Submission:

Ambry Genetics
Classification: Uncertain significance for Inborn genetic diseases. Last evaluated: 2026-05-17. Review status: criteria provided, single submitter. Criteria: Ambry Variant Classification Scheme 2023. Collection method: clinical testing. Allele origin: germline.
Comment: The p.S657P variant (also known as c.1969T>C), located in coding exon 15 of the DPYD gene, results from a T to C substitution at nucleotide position 1969. The serine at codon 657 is replaced by proline, an amino acid with similar properties. This amino acid position is conserved. In addition, this alteration is predicted to be tolerated by in silico analysis. Based on the available evidence, the clinical significance of this variant remains unclear.

NM_000110.4(DPYD):c.1969T>C (p.Ser657Pro)

Gene: DPYD (dihydropyrimidine dehydrogenase; minus strand). Cytogenetic location: 1p21.3.
Variant type: single nucleotide variant.
Coding change: c.1969T>C on transcript NM_000110.4 (MANE Select); coding-DNA position 1969, T replaced by C.
Protein change: p.Ser657Pro; replaces serine 657 with proline.
Molecular consequence: missense variant.
Genome position (GRCh38, 1-based): chr1:97,382,398, A>G on the plus strand (T>C on the coding strand, the complement: DPYD is on the minus strand). VCF-style: chr1-97382398-A-G. GRCh37 (hg19) VCF-style: chr1-97847954-A-G.
Other names: short protein forms S657P.
Identifiers: ClinVar variation 4870092 (VCV004870092.1).
Genomic context (GRCh38, chr1:97,382,398, plus strand): 5'-CTAATAAAAATAGGAGAGAAGAAATAAAATAAATATATACTAAAGTAACCATTACCTCAG[A>G]CTTCTTGGCAAGTTCCGTCCAGTCATTTTTATTGTAACTGCACATAATGCTAGCAATCAC-3'
Protein context (NP_000101.2, residues 647-667): KNDWTELAKK[Ser657Pro]EDSGADALEL